The following is an entry in ClinVar:

NM_014491.4(FOXP2):c.*3466G>A

Gene: FOXP2 (forkhead box P2; plus strand). Cytogenetic location: 7q31.1.
Variant type: single nucleotide variant.
Coding change: c.*3466G>A on transcript NM_014491.4 (MANE Select); 3466 bases downstream of the stop codon, G replaced by A.
Molecular consequence: 3 prime UTR variant. On other transcripts: non-coding transcript variant (2).
Genome position (GRCh38, 1-based): chr7:114,693,392, G>A. VCF-style: chr7-114693392-G-A. GRCh37 (hg19) VCF-style: chr7-114333447-G-A.
Other names: c.*3466G>A (NM_001172766.3, NM_148898.4, NM_148900.4).
Identifiers: ClinVar variation 358667 (VCV000358667.5), dbSNP rs544350916, ClinGen allele CA4446513.
Genomic context (GRCh38, chr7:114,693,392, plus strand): 5'-CTACAGAAGTACACTTACATAAACCATCCTGGACTTTAATGTCCCTGGGCAGATTCAGTC[G>A]CAAAATCCAATATGATATTTTGTAAAGTTTTCAAGTTGGACATTTACATTTTTGAGAATT-3'

ClinVar aggregate classification (germline): Benign (1 of 4 stars; one submission).

Conditions:
Childhood apraxia of speech (SPCH1). Also called: DEVELOPMENTAL VERBAL DYSPRAXIA; Speech language disorder; FOXP2-Related Speech and Language Disorder; SPEECH AND LANGUAGE DISORDER WITH OROFACIAL DYSPRAXIA. Identifiers: Orphanet 209908, MedGen C0750927, MONDO:0011184, OMIM 602081.

Allele frequency attached by ClinVar (database versions not stated): 1000 Genomes Project 30x 0.00016; ExAC 0.00019; gnomAD exomes 0.00031; TOPMed 0.00040; gnomAD 0.00108.
gnomAD v4.1: 359 of 453,690 alleles (0.079%); highest among the groups gnomAD compares: Non-Finnish European, 0.14%; no homozygotes.

Submission:

Illumina Laboratory Services, Illumina
Classification: Benign for Childhood apraxia of speech. Last evaluated: 2018-01-13. Review status: criteria provided, single submitter. Criteria: ICSL Variant Classification Criteria 13 December 2019. Collection method: clinical testing. Allele origin: germline.
Comment: This variant was observed in the ICSL laboratory as part of a predisposition screen in an ostensibly healthy population. It had not been previously curated by ICSL or reported in the Human Gene Mutation Database (HGMD: prior to June 1st, 2018), and was therefore a candidate for classification through an automated scoring system. Utilizing variant allele frequency, disease prevalence and penetrance estimates, and inheritance mode, an automated score was calculated to assess if this variant is too frequent to cause the disease. Based on the score and internal cut-off values, a variant classified as benign is not then subjected to further curation. The score for this variant resulted in a classification of benign for this disease.